The following is an entry in ClinVar:

ClinVar aggregate classification (germline): Uncertain significance (1 of 4 stars; one submission).

Conditions:
Epidermolysis bullosa simplex with nail dystrophy (EBS5D). Identifiers: MedGen C4225309, MONDO:0014661, OMIM 616487.
Epidermolysis bullosa simplex, Ogna type (EBS5A). Also called: EPIDERMOLYSIS BULLOSA SIMPLEX 5A, OGNA TYPE; Pidermolysis bullosa simplex 5A, Ogna type. Identifiers: Orphanet 79401, MedGen C0432317, MONDO:0007555, OMIM 131950.
Autosomal recessive limb-girdle muscular dystrophy type 2Q (LGMDR17). Also called: MUSCULAR DYSTROPHY, LIMB-GIRDLE, AUTOSOMAL RECESSIVE 17. Identifiers: Orphanet 254361, MedGen C3150989, MONDO:0013390, OMIM 613723.
Epidermolysis bullosa simplex 5B, with muscular dystrophy (EBS5B). Also called: EPIDERMOLYSIS BULLOSA SIMPLEX AND LIMB-GIRDLE MUSCULAR DYSTROPHY; Epidermolysis bullosa simplex with muscular dystrophy. Identifiers: Orphanet 257, MedGen C2931072, MONDO:0009181, OMIM 226670.
Epidermolysis bullosa simplex 5C, with pyloric atresia (EBS5C). Also called: PLEC1-Related Epidermolysis Bullosa with Pyloric Atresia; PLEC-Related Epidermolysis Bullosa with Pyloric Atresia; Epidermolysis bullosa simplex with pyloric atresia. Identifiers: Orphanet 158684, MedGen C2677349, MONDO:0012807, OMIM 612138.

Submission:

Labcorp Genetics (formerly Invitae), Labcorp
Classification: Uncertain significance for Autosomal recessive limb-girdle muscular dystrophy type 2Q; Epidermolysis bullosa simplex, Ogna type; Epidermolysis bullosa simplex with nail dystrophy; Epidermolysis bullosa simplex 5C, with pyloric atresia; Epidermolysis bullosa simplex 5B, with muscular dystrophy. Last evaluated: 2024-05-08. Review status: criteria provided, single submitter. Criteria: Invitae Variant Classification Sherloc (09022015). Collection method: clinical testing. Allele origin: germline.
Comment: This sequence change replaces tyrosine, which is neutral and polar, with phenylalanine, which is neutral and non-polar, at codon 617 of the PLEC protein (p.Tyr617Phe). This variant is present in population databases (no rsID available, gnomAD 0.003%). This variant has not been reported in the literature in individuals affected with PLEC-related conditions. Experimental studies and prediction algorithms are not available or were not evaluated, and the functional significance of this variant is currently unknown. In summary, the available evidence is currently insufficient to determine the role of this variant in disease. Therefore, it has been classified as a Variant of Uncertain Significance.

NM_201384.3(PLEC):c.1769A>T (p.Tyr590Phe)

Gene: PLEC (plectin; minus strand). Cytogenetic location: 8q24.3.
Variant type: single nucleotide variant.
Coding change: c.1769A>T on transcript NM_201384.3 (MANE Select); coding-DNA position 1769, A replaced by T.
Protein change: p.Tyr590Phe; replaces tyrosine 590 with phenylalanine.
Molecular consequence: missense variant.
Genome position (GRCh38, 1-based): chr8:143,932,681, T>A on the plus strand (A>T on the coding strand, the complement: PLEC is on the minus strand). VCF-style: chr8-143932681-T-A. GRCh37 (hg19) VCF-style: chr8-145006849-T-A.
Other names: c.1850A>T, p.Tyr617Phe (NM_000445.5, NM_001410941.1); c.1727A>T, p.Tyr576Phe (NM_201378.4); c.1703A>T, p.Tyr568Phe (NM_201379.3); c.2180A>T, p.Tyr727Phe (NM_201380.4); c.1673A>T, p.Tyr558Phe (NM_201381.3); c.1769A>T, p.Tyr590Phe (NM_201382.4); c.1781A>T, p.Tyr594Phe (NM_201383.3); short protein forms Y558F, Y568F, Y576F, Y590F, Y594F, Y617F, Y727F.
Identifiers: ClinVar variation 3763804 (VCV003763804.2).